The following is an entry in ClinVar:

ClinVar aggregate classification (germline): Uncertain significance (1 of 4 stars; one submission).

Conditions:
CFL2-related disorder. Also called: CFL2-related condition.

gnomAD v4.1: 3 of 1,613,996 alleles (0.00019%); highest among the groups gnomAD compares: Non-Finnish European, 0.00025%; no homozygotes.

Submission:

PreventionGenetics, part of Exact Sciences
Classification: Uncertain significance for CFL2-related condition. Last evaluated: 2026-03-25. Review status: criteria provided, single submitter. Criteria: ACMG Guidelines, 2015. Collection method: clinical testing. Allele origin: germline.
Comment: The CFL2 c.37A>G variant is predicted to result in the amino acid substitution p.Lys13Glu. To our knowledge, this variant has not been reported in the literature or in gnomAD, indicating this variant is rare. At this time, the clinical significance of this variant is uncertain due to the absence of conclusive functional and genetic evidence.

NM_138638.5(CFL2):c.37A>G (p.Lys13Glu)

Gene: CFL2 (cofilin 2; minus strand). Cytogenetic location: 14q13.1.
Variant type: single nucleotide variant.
Coding change: c.37A>G on transcript NM_138638.5 (MANE Select); coding-DNA position 37, A replaced by G.
Protein change: p.Lys13Glu; replaces lysine 13 with glutamic acid.
Molecular consequence: missense variant. On other transcripts: 5 prime UTR variant (1), non-coding transcript variant (2).
Genome position (GRCh38, 1-based): chr14:34,713,528, T>C on the plus strand (A>G on the coding strand, the complement: CFL2 is on the minus strand). VCF-style: chr14-34713528-T-C. GRCh37 (hg19) VCF-style: chr14-35182734-T-C.
Other names: c.-15A>G (NM_001243645.2); c.37A>G, p.Lys13Glu (NM_021914.8); short protein forms K13E.
Identifiers: ClinVar variation 4983211 (VCV004983211.1).